The following is an entry in ClinVar:

NM_005431.2(XRCC2):c.570del (p.Leu191fs)

Gene: XRCC2 (X-ray repair cross complementing 2; minus strand). Cytogenetic location: 7q36.1.
Variant type: Deletion.
Coding change: c.570del on transcript NM_005431.2 (MANE Select); coding-DNA position 570, one base deleted (T; older notation c.570delT).
Protein change: p.Leu191fs; shifts the reading frame from leucine 191.
Molecular consequence: frameshift variant.
Genome position (GRCh38, 1-based): chr7:152,648,915, A deleted on the plus strand (T on the coding strand, the reverse complement: XRCC2 is on the minus strand); the first of 2 consecutive A bases (chr7:152,648,915-152,648,916); deleting either gives the same sequence. VCF-style (leftmost placement, unchanged base first): chr7-152648914-GA-G. GRCh37 (hg19) VCF-style: chr7-152345999-GA-G.
Other names: short protein forms L191fs.
Identifiers: ClinVar variation 246464 (VCV000246464.2), dbSNP rs879254270, ClinGen allele CA10584278.

ClinVar aggregate classification (germline): Uncertain significance (1 of 4 stars; one submission).

Submission:

GeneDx
Classification: Uncertain significance. Last evaluated: 2016-03-07. Review status: criteria provided, single submitter. Criteria: GeneDx Variant Classification (06012015). Collection method: clinical testing. Allele origin: germline. Affected: yes.
Comment: This deletion of one nucleotide in XRCC2 is denoted c.570delT at the cDNA level and p.Leu191PhefsX8 (L191FfsX8) at the protein level. The normal sequence, with the base that is deleted in braces, is TGGT[T]CTTT. The deletion causes a frameshift which changes a Leucine to a Phenylalanine at codon 191, and creates a premature stop codon at position 8 of the new reading frame. As this deletion is in the last exon of the gene, nonsense mediated decay is not expected to occur. Although this variant has not, to our knowledge, been reported in the literature, it is predicted to cause loss of normal protein function through protein truncation. Based on currently available information, it is unclear whether this deletion is a pathogenic variant or a benign variant. We consider it to be a variant of uncertain significance.